The following is an entry in ClinVar:

ClinVar aggregate classification (germline): Uncertain significance (1 of 4 stars; one submission).

Submission:

GeneDx
Classification: Uncertain significance. Last evaluated: 2025-05-16. Review status: criteria provided, single submitter. Criteria: GeneDx Variant Classification Process June 2021. Collection method: clinical testing. Allele origin: germline. Affected: yes.
Comment: Not observed at significant frequency in large population cohorts (gnomAD); In silico analysis suggests that this missense variant does not alter protein structure/function; Has not been previously published as pathogenic or benign to our knowledge

NM_001346249.2(RALGAPA1):c.1141T>G (p.Ser381Ala)

Gene: RALGAPA1 (Ral GTPase activating protein catalytic subunit alpha 1; minus strand). Cytogenetic location: 14q13.2.
Variant type: single nucleotide variant.
Coding change: c.1141T>G on transcript NM_001346249.2 (MANE Select); coding-DNA position 1141, T replaced by G.
Protein change: p.Ser381Ala; replaces serine 381 with alanine.
Molecular consequence: missense variant.
Genome position (GRCh38, 1-based): chr14:35,748,695, A>C on the plus strand (T>G on the coding strand, the complement: RALGAPA1 is on the minus strand). VCF-style: chr14-35748695-A-C. GRCh37 (hg19) VCF-style: chr14-36217901-A-C.
Other names: c.1141T>G, p.Ser381Ala (NM_001283043.3, NM_001283044.3, NM_001330075.3 and 7 more transcripts); short protein forms S381A.
Identifiers: ClinVar variation 4529572 (VCV004529572.1).